The following is an entry in ClinVar:

ClinVar aggregate classification (germline): Uncertain significance (1 of 4 stars; one submission).

Submission:

Labcorp Genetics (formerly Invitae), Labcorp
Classification: Uncertain significance. Last evaluated: 2021-09-20. Review status: criteria provided, single submitter. Criteria: Invitae Variant Classification Sherloc (09022015). Collection method: clinical testing. Allele origin: germline.
Comment: This sequence change replaces histidine with leucine at codon 678 of the ADGRV1 protein (p.His678Leu). The histidine residue is moderately conserved and there is a moderate physicochemical difference between histidine and leucine. This variant is not present in population databases (ExAC no frequency). This variant has not been reported in the literature in individuals affected with ADGRV1-related conditions. Algorithms developed to predict the effect of missense changes on protein structure and function are either unavailable or do not agree on the potential impact of this missense change (SIFT: "Deleterious"; PolyPhen-2: "Benign"; Align-GVGD: "Class C0"). In summary, the available evidence is currently insufficient to determine the role of this variant in disease. Therefore, it has been classified as a Variant of Uncertain Significance.

NM_032119.4(ADGRV1):c.2033A>T (p.His678Leu)

Gene: ADGRV1 (adhesion G protein-coupled receptor V1; plus strand). Cytogenetic location: 5q14.3.
Variant type: single nucleotide variant.
Coding change: c.2033A>T on transcript NM_032119.4 (MANE Select); coding-DNA position 2033, A replaced by T.
Protein change: p.His678Leu; replaces histidine 678 with leucine.
Molecular consequence: missense variant. On other transcripts: non-coding transcript variant (1).
Genome position (GRCh38, 1-based): chr5:90,637,741, A>T. VCF-style: chr5-90637741-A-T. GRCh37 (hg19) VCF-style: chr5-89933558-A-T.
Other names: short protein forms H678L.
Identifiers: ClinVar variation 1382504 (VCV001382504.3), dbSNP rs1289921890, ClinGen allele CA360383390.